The following is an entry in ClinVar:

ClinVar aggregate classification (germline): Uncertain significance (1 of 4 stars; one submission).

Allele frequency attached by ClinVar (database versions not stated): gnomAD exomes below 0.00001; TOPMed 0.00002.
gnomAD v4.1: 2 of 1,613,582 alleles (0.00012%); highest among the groups gnomAD compares: Non-Finnish European, 0.00017%; no homozygotes.

Submission:

Labcorp Genetics (formerly Invitae), Labcorp
Classification: Uncertain significance. Last evaluated: 2024-11-12. Review status: criteria provided, single submitter. Criteria: Invitae Variant Classification Sherloc (09022015). Collection method: clinical testing. Allele origin: germline.
Comment: This sequence change replaces aspartic acid, which is acidic and polar, with asparagine, which is neutral and polar, at codon 981 of the DSCAML1 protein (p.Asp981Asn). The frequency data for this variant in the population databases is considered unreliable, as metrics indicate poor data quality at this position in the gnomAD database. This variant has not been reported in the literature in individuals affected with DSCAML1-related conditions. ClinVar contains an entry for this variant (Variation ID: 1896833). An algorithm developed to predict the effect of missense changes on protein structure and function (PolyPhen-2) suggests that this variant is likely to be disruptive. In summary, the available evidence is currently insufficient to determine the role of this variant in disease. Therefore, it has been classified as a Variant of Uncertain Significance.

NM_020693.4(DSCAML1):c.2761G>A (p.Asp921Asn)

Gene: DSCAML1 (DS cell adhesion molecule like 1; minus strand). Cytogenetic location: 11q23.3.
Variant type: single nucleotide variant.
Coding change: c.2761G>A on transcript NM_020693.4 (MANE Select); coding-DNA position 2761, G replaced by A.
Protein change: p.Asp921Asn; replaces aspartic acid 921 with asparagine.
Molecular consequence: missense variant.
Genome position (GRCh38, 1-based): chr11:117,480,467, C>T on the plus strand (G>A on the coding strand, the complement: DSCAML1 is on the minus strand). VCF-style: chr11-117480467-C-T. GRCh37 (hg19) VCF-style: chr11-117351182-C-T.
Other names: c.2761G>A, p.Asp921Asn (NM_001367904.1); short protein forms D921N.
Identifiers: ClinVar variation 1896833 (VCV001896833.5), dbSNP rs1325244683, ClinGen allele CA382746785.